The following is an entry in ClinVar:

NM_138694.4(PKHD1):c.1965-2A>T

Gene: PKHD1 (PKHD1 ciliary IPT domain containing fibrocystin/polyductin; minus strand). Cytogenetic location: 6p12.2.
Variant type: single nucleotide variant.
Coding change: c.1965-2A>T on transcript NM_138694.4 (MANE Select); the canonical splice acceptor site of the intron before coding-DNA position 1965, A replaced by T.
Molecular consequence: splice acceptor variant.
Genome position (GRCh38, 1-based): chr6:52,053,253, T>A on the plus strand (A>T on the coding strand, the complement: PKHD1 is on the minus strand). VCF-style: chr6-52053253-T-A. GRCh37 (hg19) VCF-style: chr6-51918051-T-A.
Other names: c.1965-2A>T (NM_170724.3, NM_138694.3).
Identifiers: ClinVar variation 1066485 (VCV001066485.13), dbSNP rs2128203974, ClinGen allele CA364444630.

ClinVar aggregate classification (germline): Likely pathogenic. Review status: criteria provided, multiple submitters, no conflicts (2 of 4 stars). 2 submissions from 2 submitters: Likely pathogenic (2). Last evaluated 2025-01-23.

Conditions:
Autosomal recessive polycystic kidney disease (ARPKD). Also called: AR polycystic kidney disease. Identifiers: Orphanet 731, Orphanet 8378, MedGen C0085548, MeSH D017044, MONDO:0009889.

Allele frequency attached by ClinVar (database versions not stated): gnomAD exomes below 0.00001.
gnomAD v4.1: 1 of 1,614,064 alleles (0.000062%); highest among the groups gnomAD compares: African/African-American, 0.0013%; no homozygotes.

Submissions (2):

Natera, Inc.
Classification: Likely pathogenic for Autosomal recessive polycystic kidney disease. Last evaluated: 2025-01-23. Review status: criteria provided, single submitter. Criteria: Natera Variant Classification Schema (03/2026). Collection method: clinical testing. Allele origin: germline.
Comment: The c.1965-2A>T variant in PKHD1 is a canonical splice acceptor site variant predicted to affect pre-mRNA splicing, which may result in an abnormal transcript and altered protein product. This variant is expected to result in nonsense mediated decay, truncation, or a dysfunctional protein product. This variant is rare in the general population with a frequency below the threshold expected for the associated phenotype(s). Given the available evidence, this variant is classified as Likely Pathogenic.

Labcorp Genetics (formerly Invitae), Labcorp
Classification: Likely pathogenic for Autosomal recessive polycystic kidney disease. Last evaluated: 2020-06-09. Review status: criteria provided, single submitter. Criteria: Invitae Variant Classification Sherloc (09022015). Collection method: clinical testing. Allele origin: germline.
Comment: Donor and acceptor splice site variants typically lead to a loss of protein function (PMID: 16199547), and loss-of-function variants in PKHD1 are known to be pathogenic (PMID: 19940839). This sequence change affects an acceptor splice site in intron 20 of the PKHD1 gene. It is expected to disrupt RNA splicing and likely results in an absent or disrupted protein product. This variant is not present in population databases (ExAC no frequency). This variant has not been reported in the literature in individuals with PKHD1-related conditions. Algorithms developed to predict the effect of sequence changes on RNA splicing suggest that this variant may disrupt the consensus splice site, but this prediction has not been confirmed by published transcriptional studies. In summary, the currently available evidence indicates that the variant is pathogenic, but additional data are needed to prove that conclusively. Therefore, this variant has been classified as Likely Pathogenic.

Literature cited by the submitters: PubMed 16199547 (cited by Labcorp Genetics (formerly Invitae), Labcorp); PubMed 19940839 (cited by Labcorp Genetics (formerly Invitae), Labcorp).